The following is an entry in ClinVar:

NM_000257.4(MYH7):c.503-8C>A

Gene: MYH7 (myosin heavy chain 7; minus strand). Cytogenetic location: 14q11.2.
Variant type: single nucleotide variant.
Coding change: c.503-8C>A on transcript NM_000257.4 (MANE Select); 8 bases into the intron before coding-DNA position 503, C replaced by A.
Molecular consequence: intron variant.
Genome position (GRCh38, 1-based): chr14:23,432,514, G>T on the plus strand (C>A on the coding strand, the complement: MYH7 is on the minus strand). VCF-style: chr14-23432514-G-T. GRCh37 (hg19) VCF-style: chr14-23901723-G-T.
Other names: p.?; c.503-8C>A (LRG_384t1).
Identifiers: ClinVar variation 515696 (VCV000515696.8), dbSNP rs606231313, ClinGen allele CA257826446.
Genomic context (GRCh38, chr14:23,432,514, plus strand): 5'-GGAATACAGTAGCAGCTACACTCACGTGATCAGGATGGACTGGTTTTCTCTGTCTGTGGG[G>T]AGAGGGTGGGGAGGAAAGGTCAGGAGCTGCACAGGATGCTCTCGTGGGGCTTCTCCCTTC-3'

ClinVar aggregate classification (germline): Conflicting classifications of pathogenicity. Review status: criteria provided, conflicting classifications (1 of 4 stars). 4 submissions from 4 submitters: Uncertain significance (1); Likely benign (3). Last evaluated 2025-11-28.

Conditions:
Cardiomyopathy (CMYO). Also called: Cardiomyopathies. Identifiers: Orphanet 167848, MedGen C0878544, MONDO:0004994, HP:0001638. Inheritance: Various modes of inheritance.
Hypertrophic cardiomyopathy. Also called: HYPERTROPHIC MYOCARDIOPATHY. Identifiers: Orphanet 217569, MedGen C0007194, MeSH D002312, MONDO:0005045, HP:0001639.

Allele frequency attached by ClinVar (database versions not stated): TOPMed below 0.00001; gnomAD exomes below 0.00001 and 0.00001; gnomAD 0.00001.
gnomAD v4.1: 6 of 1,614,026 alleles (0.00037%); highest among the groups gnomAD compares: Non-Finnish European, 0.00042%; no homozygotes.

Submissions (4):

Mayo Clinic Laboratories, Mayo Clinic
Classification: Likely benign. Last evaluated: 2025-11-28. Review status: criteria provided, single submitter. Criteria: ACMG Guidelines, 2015. Collection method: clinical testing. Allele origin: germline. Observed: 1 variant allele.
Comment: BP4, BP7, PM2_supporting

Labcorp Genetics (formerly Invitae), Labcorp
Classification: Likely benign for Hypertrophic cardiomyopathy. Last evaluated: 2024-03-01. Review status: criteria provided, single submitter. Criteria: Invitae Variant Classification Sherloc (09022015). Collection method: clinical testing. Allele origin: germline.

Color Diagnostics, LLC DBA Color Health
Classification: Uncertain significance for Cardiomyopathy. Last evaluated: 2021-02-17. Review status: criteria provided, single submitter. Criteria: ACMG Guidelines, 2015. Collection method: clinical testing. Allele origin: germline.
Comment: This variant causes a C to A nucleotide substitution at the -8 position of intron 5 of the MYH7 gene. Splice prediction tools and conservation analysis are inconclusive regarding the impact of this variant on RNA splicing. To our knowledge, functional studies have not been reported for this variant. This variant has not been reported in individuals affected with cardiovascular disorders in the literature. This variant has been identified in 2/282858 chromosomes in the general population by the Genome Aggregation Database (gnomAD). The available evidence is insufficient to determine the role of this variant in disease conclusively. Therefore, this variant is classified as a Variant of Uncertain Significance.

GeneDx
Classification: Likely benign. Last evaluated: 2018-02-23. Review status: criteria provided, single submitter. Criteria: GeneDx Variant Classification (06012015). Collection method: clinical testing. Allele origin: germline. Affected: yes.
Comment: This variant is considered likely benign or benign based on one or more of the following criteria: it is a conservative change, it occurs at a poorly conserved position in the protein, it is predicted to be benign by multiple in silico algorithms, and/or has population frequency not consistent with disease.